The following is an entry in ClinVar:

NM_018136.5(ASPM):c.117del (p.Ser40fs)

Genes: ASPM (assembly factor for spindle microtubules; minus strand), LOC129932155 (ATAC-STARR-seq lymphoblastoid silent region 1659; plus strand). Cytogenetic location: 1q31.3.
Variant type: Deletion.
Coding change: c.117del on transcript NM_018136.5 (MANE Select); coding-DNA position 117, one base deleted (G; older notation c.117delG).
Protein change: p.Ser40fs; shifts the reading frame from serine 40.
Molecular consequence: frameshift variant.
Genome position (GRCh38, 1-based): chr1:197,146,321, C deleted on the plus strand (G on the coding strand, the reverse complement: ASPM is on the minus strand). VCF-style (leftmost placement, unchanged base first): chr1-197146320-AC-A. GRCh37 (hg19) VCF-style: chr1-197115450-AC-A.
Other names: c.117del, p.Ser40fs (NM_001206846.2); short protein forms S40fs.
Identifiers: ClinVar variation 4586656 (VCV004586656.1).

ClinVar aggregate classification (germline): Pathogenic (1 of 4 stars; one submission).

Conditions:
Inborn genetic diseases. Identifiers: MedGen C0950123, MeSH D030342.

Submission:

Ambry Genetics
Classification: Pathogenic for Inborn genetic diseases. Last evaluated: 2025-10-07. Review status: criteria provided, single submitter. Criteria: Ambry Variant Classification Scheme 2023. Collection method: clinical testing. Allele origin: germline.
Comment: The c.117delG (p.S40Lfs*28) alteration, located in exon 1 (coding exon 1) of the ASPM gene, consists of a deletion of one nucleotide at position 117, causing a translational frameshift with a predicted alternate stop codon after 28 amino acids. This alteration is expected to result in loss of function by premature protein truncation or nonsense-mediated mRNA decay. Based on data from gnomAD, the c.117delG allele has an overall frequency of <0.001% (1/249724) total alleles studied. The highest observed frequency was 0.003% (1/34554) of Latino alleles. Based on the available evidence, this alteration is classified as pathogenic.